The following is an entry in ClinVar:

NM_014905.5(GLS):c.1651-3C>A

Gene: GLS (glutaminase; plus strand). Cytogenetic location: 2q32.2.
Variant type: single nucleotide variant.
Coding change: c.1651-3C>A on transcript NM_014905.5 (MANE Select); 3 bases into the intron before coding-DNA position 1651, C replaced by A.
Molecular consequence: intron variant.
Genome position (GRCh38, 1-based): chr2:190,953,562, C>A. VCF-style: chr2-190953562-C-A. GRCh37 (hg19) VCF-style: chr2-191818288-C-A.
Other names: c.1651-3C>A (NM_001437282.1).
Identifiers: ClinVar variation 4885358 (VCV004885358.2).

ClinVar aggregate classification (germline): Uncertain significance (1 of 4 stars; one submission).

Submission:

Dasa
Classification: Uncertain significance. Last evaluated: 2025-05-21. Review status: criteria provided, single submitter. Criteria: DASA Assertion Criteria. Collection method: clinical testing. Allele origin: germline.
Comment: NM_014905.5(GLS):c.1651-3C>A is a splice-region variant. This variant is rare in population databases. Computational prediction algorithms are consistent with a deleterious effect. The currently available literature and clinical evidence are not sufficient to establish a definitive association between this variant and the reported condition. Therefore, this variant is classified as a variant of uncertain significance.